The following is an entry in ClinVar:

NM_001282597.3(CTNNA2):c.-5-6C>T

Gene: CTNNA2 (catenin alpha 2; plus strand). Cytogenetic location: 2p12.
Variant type: single nucleotide variant.
Coding change: c.-5-6C>T on transcript NM_001282597.3 (MANE Select); 6 bases into the intron before 5 bases upstream of the start codon, C replaced by T.
Molecular consequence: intron variant.
Genome position (GRCh38, 1-based): chr2:79,651,546, C>T. VCF-style: chr2-79651546-C-T. GRCh37 (hg19) VCF-style: chr2-79878672-C-T.
Other names: c.-5-6C>T (NM_001399737.1, NM_004389.4, NM_001164883.2); c.98-6C>T (NM_001282598.2).
Identifiers: ClinVar variation 3350333 (VCV003350333.1).
Genomic context (GRCh38, chr2:79,651,546, plus strand): 5'-GAATCACCAAAGTTACAATTTATTTCAAAGATGATTATTTCTAACTGATTACATGTGTTC[C>T]CATAGGGAGCATGACTTCGGCAACTTCACCTATCATTCTGAAATGGGACCCCAAAAGTTT-3'

ClinVar aggregate classification (germline): Likely benign (0 of 4 stars; one submission).

Conditions:
CTNNA2-related disorder. Also called: CTNNA2-related condition.

Submission:

PreventionGenetics, part of Exact Sciences
Classification: Likely benign for CTNNA2-related condition. Last evaluated: 2024-07-19. Review status: no assertion criteria provided. Collection method: clinical testing. Allele origin: germline.
Comment: This variant is classified as likely benign based on ACMG/AMP sequence variant interpretation guidelines (Richards et al. 2015 PMID: 25741868, with internal and published modifications).